The following is an entry in ClinVar:

NM_001127208.3(TET2):c.1856C>G (p.Ala619Gly)

Genes: TET2 (tet methylcytosine dioxygenase 2; plus strand), TET2-AS1 (TET2 antisense RNA 1; minus strand). Cytogenetic location: 4q24.
Variant type: single nucleotide variant.
Coding change: c.1856C>G on transcript NM_001127208.3 (MANE Select); coding-DNA position 1856, C replaced by G.
Protein change: p.Ala619Gly; replaces alanine 619 with glycine.
Molecular consequence: missense variant.
Genome position (GRCh38, 1-based): chr4:105,235,798, C>G. VCF-style: chr4-105235798-C-G. GRCh37 (hg19) VCF-style: chr4-106156955-C-G.
Other names: c.1856C>G, p.Ala619Gly (NM_017628.4); short protein forms A619G.
Identifiers: ClinVar variation 3805958 (VCV003805958.1).
Genomic context (GRCh38, chr4:105,235,798, plus strand): 5'-AAATGACCTCCAAACAATACACTGGAAATTCCAACATGCCTGGGGGGCTCCCAAGGCAAG[C>G]TTACACCCAGAAAACAACACAGCTGGAGCACAAGTCACAAATGTACCAAGTTGAAATGAA-3'
Protein context (NP_001120680.1, residues 609-629): SNMPGGLPRQ[Ala619Gly]YTQKTTQLEH

ClinVar aggregate classification (germline): Uncertain significance (1 of 4 stars; one submission).

gnomAD v4.1: 4 of 1,614,058 alleles (0.00025%); highest among the groups gnomAD compares: Non-Finnish European, 0.00025%; no homozygotes.

Submission:

Ambry Genetics
Classification: Uncertain significance. Last evaluated: 2025-01-13. Review status: criteria provided, single submitter. Criteria: Ambry Variant Classification Scheme 2023. Collection method: clinical testing. Allele origin: germline.
Comment: The p.A619G variant (also known as c.1856C>G), located in coding exon 1 of the TET2 gene, results from a C to G substitution at nucleotide position 1856. The alanine at codon 619 is replaced by glycine, an amino acid with similar properties. This amino acid position is conserved. In addition, this alteration is predicted to be tolerated by in silico analysis. Based on the available evidence, the clinical significance of this variant remains unclear.